The following is an entry in ClinVar:

ClinVar aggregate classification (germline): Uncertain significance (1 of 4 stars; one submission).

Conditions:
Charcot-Marie-Tooth disease, type I (CMT1). Also called: Charcot-Marie-Tooth disease type 1; Charcot-Marie-Tooth, Type 1. Identifiers: Orphanet 65753, MedGen C0751036, MONDO:0019011.

Allele frequency attached by ClinVar (database versions not stated): gnomAD exomes below 0.00001.
gnomAD v4.1: 1 of 1,614,136 alleles (0.000062%); highest among the groups gnomAD compares: Non-Finnish European, 0.000085%; no homozygotes.

Submission:

Labcorp Genetics (formerly Invitae), Labcorp
Classification: Uncertain significance for Charcot-Marie-Tooth disease, type I. Last evaluated: 2018-07-01. Review status: criteria provided, single submitter. Criteria: Invitae Variant Classification Sherloc (09022015). Collection method: clinical testing. Allele origin: germline.
Comment: In summary, the available evidence is currently insufficient to determine the role of this variant in disease. Therefore, it has been classified as a Variant of Uncertain Significance. Algorithms developed to predict the effect of missense changes on protein structure and function are either unavailable or do not agree on the potential impact of this missense change (SIFT: "Deleterious"; PolyPhen-2: "Probably Damaging"; Align-GVGD: "Class C0"). This variant has not been reported in the literature in individuals with MPZ-related disease. This variant is not present in population databases (ExAC no frequency). This sequence change replaces arginine with glycine at codon 180 of the MPZ protein (p.Arg180Gly). The arginine residue is highly conserved and there is a moderate physicochemical difference between arginine and glycine.

NM_000530.8(MPZ):c.538C>G (p.Arg180Gly)

Gene: MPZ (myelin protein zero; minus strand). Cytogenetic location: 1q23.3.
Variant type: single nucleotide variant.
Coding change: c.538C>G on transcript NM_000530.8 (MANE Select); coding-DNA position 538, C replaced by G.
Protein change: p.Arg180Gly; replaces arginine 180 with glycine.
Molecular consequence: missense variant.
Genome position (GRCh38, 1-based): chr1:161,306,375, G>C on the plus strand (C>G on the coding strand, the complement: MPZ is on the minus strand). VCF-style: chr1-161306375-G-C. GRCh37 (hg19) VCF-style: chr1-161276165-G-C.
Other names: c.538C>G, p.Arg180Gly (NM_001315491.2); c.538C>G (LRG_256t1); short protein forms R180G.
Identifiers: ClinVar variation 647007 (VCV000647007.8), dbSNP rs1385085988, ClinGen allele CA343345700.